The following is an entry in ClinVar:

ClinVar aggregate classification (germline): Likely benign. Review status: criteria provided, multiple submitters, no conflicts (2 of 4 stars). 2 submissions from 2 submitters: Likely benign (2). Last evaluated 2026-01-01.

gnomAD v4.1: 71 of 1,612,044 alleles (0.0044%); highest among the groups gnomAD compares: Admixed American, 0.035%; no homozygotes.

Submissions (2):

CeGaT Center for Human Genetics Tuebingen
Classification: Likely benign. Last evaluated: 2026-01-01. Review status: criteria provided, single submitter. Criteria: CeGaT Center For Human Genetics Tuebingen Variant Classification Criteria Version 2. Collection method: clinical testing. Allele origin: germline. Affected: yes. Observed: 1 variant allele.
Comment: CTU2: BP4, BP7

Labcorp Genetics (formerly Invitae), Labcorp
Classification: Likely benign. Last evaluated: 2025-11-22. Review status: criteria provided, single submitter. Criteria: Invitae Variant Classification Sherloc (09022015). Collection method: clinical testing. Allele origin: germline.

NM_001012759.3(CTU2):c.1530C>T (p.Asp510=)

Gene: CTU2 (cytosolic thiouridylase subunit 2; plus strand). Cytogenetic location: 16q24.3.
Variant type: single nucleotide variant.
Coding change: c.1530C>T on transcript NM_001012759.3 (MANE Select); coding-DNA position 1530, C replaced by T.
Protein change: p.Asp510=; no amino-acid change (aspartic acid 510 retained).
Molecular consequence: synonymous variant. On other transcripts: 3 prime UTR variant (1).
Genome position (GRCh38, 1-based): chr16:88,715,233, C>T. VCF-style: chr16-88715233-C-T. GRCh37 (hg19) VCF-style: chr16-88781641-C-T.
Other names: c.*13C>T (NM_001012762.3); c.1743C>T, p.Asp581= (NM_001318507.2); c.1269C>T, p.Asp423= (NM_001318513.2).
Identifiers: ClinVar variation 4748343 (VCV004748343.5).